The following is an entry in ClinVar:

NM_020442.6(VARS2):c.1628C>T (p.Ala543Val)

Gene: VARS2 (valyl-tRNA synthetase 2, mitochondrial; plus strand). Cytogenetic location: 6p21.33.
Variant type: single nucleotide variant.
Coding change: c.1628C>T on transcript NM_020442.6 (MANE Select); coding-DNA position 1628, C replaced by T.
Protein change: p.Ala543Val; replaces alanine 543 with valine.
Molecular consequence: missense variant.
Genome position (GRCh38, 1-based): chr6:30,921,301, C>T. VCF-style: chr6-30921301-C-T. GRCh37 (hg19) VCF-style: chr6-30889078-C-T.
Other names: c.1208C>T, p.Ala403Val (NM_001167733.3); c.1718C>T, p.Ala573Val (NM_001167734.2); short protein forms A403V, A543V, A573V.
Identifiers: ClinVar variation 3340650 (VCV003340650.2).

ClinVar aggregate classification (germline): Conflicting classifications of pathogenicity. Review status: criteria provided, conflicting classifications (1 of 4 stars). 2 submissions from 2 submitters: Uncertain significance (1); Likely benign (1). Last evaluated 2025-12-16.

Conditions:
Inborn genetic diseases. Identifiers: MedGen C0950123, MeSH D030342.

gnomAD v4.1: 36 of 1,613,988 alleles (0.0022%); highest among the groups gnomAD compares: East Asian, 0.06%; no homozygotes.

Submissions (2):

Ambry Genetics
Classification: Likely benign for Inborn genetic diseases. Last evaluated: 2025-12-16. Review status: criteria provided, single submitter. Criteria: Ambry Variant Classification Scheme 2023. Collection method: clinical testing. Allele origin: germline.

GeneDx
Classification: Uncertain significance. Last evaluated: 2023-11-21. Review status: criteria provided, single submitter. Criteria: GeneDx Variant Classification Process June 2021. Collection method: clinical testing. Allele origin: germline. Affected: yes.
Comment: In silico analysis supports that this missense variant does not alter protein structure/function; Has not been previously published as pathogenic or benign to our knowledge